The following is an entry in ClinVar:

ClinVar aggregate classification (germline): Uncertain significance. Review status: criteria provided, multiple submitters, no conflicts (2 of 4 stars). 2 submissions from 2 submitters: Uncertain significance (2). Last evaluated 2026-01-02.

Conditions:
Cardiovascular phenotype. Identifiers: MedGen CN230736.
Primary dilated cardiomyopathy (DCM). Also called: Dilated Cardiomyopathy. Identifiers: Orphanet 217604, MedGen C0007193, MeSH D002311, MONDO:0005021, HP:0001644. Inheritance: Various modes of inheritance.

gnomAD v4.1: 27 of 1,508,852 alleles (0.0018%); highest among the groups gnomAD compares: Non-Finnish European, 0.0023%; no homozygotes.

Submissions (2):

Ambry Genetics
Classification: Uncertain significance for Cardiovascular phenotype. Last evaluated: 2026-01-02. Review status: criteria provided, single submitter. Criteria: Ambry Variant Classification Scheme 2023. Collection method: clinical testing. Allele origin: germline.
Comment: The p.R16Q variant (also known as c.47G>A), located in coding exon 1 of the TXNRD2 gene, results from a G to A substitution at nucleotide position 47. The arginine at codon 16 is replaced by glutamine, an amino acid with highly similar properties. This amino acid position is conserved. In addition, this alteration is predicted to be tolerated by in silico analysis. Based on the available evidence, the clinical significance of this variant remains unclear.

Labcorp Genetics (formerly Invitae), Labcorp
Classification: Uncertain significance for Primary dilated cardiomyopathy. Last evaluated: 2024-11-30. Review status: criteria provided, single submitter. Criteria: Invitae Variant Classification Sherloc (09022015). Collection method: clinical testing. Allele origin: germline.
Comment: This sequence change replaces arginine, which is basic and polar, with glutamine, which is neutral and polar, at codon 16 of the TXNRD2 protein (p.Arg16Gln). The frequency data for this variant in the population databases is considered unreliable, as metrics indicate poor data quality at this position in the gnomAD database. This variant has not been reported in the literature in individuals affected with TXNRD2-related conditions. An algorithm developed to predict the effect of missense changes on protein structure and function (PolyPhen-2) suggests that this variant is likely to be disruptive. In summary, the available evidence is currently insufficient to determine the role of this variant in disease. Therefore, it has been classified as a Variant of Uncertain Significance.

NM_006440.5(TXNRD2):c.47G>A (p.Arg16Gln)

Genes: TXNRD2 (thioredoxin reductase 2; minus strand), LOC130066960 (ATAC-STARR-seq lymphoblastoid silent region 13467; plus strand). Cytogenetic location: 22q11.21.
Variant type: single nucleotide variant.
Coding change: c.47G>A on transcript NM_006440.5 (MANE Select); coding-DNA position 47, G replaced by A.
Protein change: p.Arg16Gln; replaces arginine 16 with glutamine.
Molecular consequence: missense variant. On other transcripts: non-coding transcript variant (1).
Genome position (GRCh38, 1-based): chr22:19,941,757, C>T on the plus strand (G>A on the coding strand, the complement: TXNRD2 is on the minus strand). VCF-style: chr22-19941757-C-T. GRCh37 (hg19) VCF-style: chr22-19929280-C-T.
Other names: c.47G>A, p.Arg16Gln (NM_001282512.3, NM_001352300.2); c.-232C>T (NM_000754.3); short protein forms R16Q.
Identifiers: ClinVar variation 3667409 (VCV003667409.3).